The following is an entry in ClinVar:

ClinVar aggregate classification (germline): Uncertain significance (1 of 4 stars; one submission).

Conditions:
Muscular dystrophy-dystroglycanopathy (congenital with brain and eye anomalies), type A2. Also called: MUSCULAR DYSTROPHY-DYSTROGLYCANOPATHY (CONGENITAL WITH BRAIN AND EYE ANOMALIES), TYPE A, 2; WALKER-WARBURG SYNDROME OR MUSCLE-EYE-BRAIN DISEASE, POMT2-RELATED. Identifiers: Orphanet 588, Orphanet 899, MedGen C3150411, MONDO:0013154, OMIM 613150.
Autosomal recessive limb-girdle muscular dystrophy type 2N. Also called: MUSCULAR DYSTROPHY-DYSTROGLYCANOPATHY, LIMB-GIRDLE, POMT2-RELATED; Muscular dystrophy-dystroglycanopathy (limb-girdle), type C, 2. Identifiers: Orphanet 206559, MedGen C3150418, MONDO:0013162, OMIM 613158.
Muscular dystrophy-dystroglycanopathy (congenital with impaired intellectual development), type B, 2. Also called: Muscular dystrophy-dystroglycanopathy (congenital with intellectual disability), type B2; MUSCULAR DYSTROPHY, CONGENITAL, POMT2-RELATED. Identifiers: MedGen C3150416, MONDO:0013160, OMIM 613156.

Allele frequency attached by ClinVar (database versions not stated): gnomAD 0.00001.
gnomAD v4.1: 2 of 1,476,400 alleles (0.00014%); highest among the groups gnomAD compares: Admixed American, 0.0039%; no homozygotes.

Submission:

Labcorp Genetics (formerly Invitae), Labcorp
Classification: Uncertain significance for Muscular dystrophy-dystroglycanopathy (congenital with impaired intellectual development), type B, 2; Muscular dystrophy-dystroglycanopathy (congenital with brain and eye anomalies), type A2; Autosomal recessive limb-girdle muscular dystrophy type 2N. Last evaluated: 2022-02-19. Review status: criteria provided, single submitter. Criteria: Invitae Variant Classification Sherloc (09022015). Collection method: clinical testing. Allele origin: germline.
Comment: This variant is present in population databases (no rsID available, gnomAD 0.008%). In summary, the available evidence is currently insufficient to determine the role of this variant in disease. Therefore, it has been classified as a Variant of Uncertain Significance. Algorithms developed to predict the effect of missense changes on protein structure and function (SIFT, PolyPhen-2, Align-GVGD) all suggest that this variant is likely to be tolerated. This variant has not been reported in the literature in individuals affected with POMT2-related conditions. This sequence change replaces leucine, which is neutral and non-polar, with valine, which is neutral and non-polar, at codon 709 of the POMT2 protein (p.Leu709Val).

NM_013382.7(POMT2):c.2125C>G (p.Leu709Val)

Gene: POMT2 (protein O-mannosyltransferase 2; minus strand). Cytogenetic location: 14q24.3.
Variant type: single nucleotide variant.
Coding change: c.2125C>G on transcript NM_013382.7 (MANE Select); coding-DNA position 2125, C replaced by G.
Protein change: p.Leu709Val; replaces leucine 709 with valine.
Molecular consequence: missense variant.
Genome position (GRCh38, 1-based): chr14:77,278,416, G>C on the plus strand (C>G on the coding strand, the complement: POMT2 is on the minus strand). VCF-style: chr14-77278416-G-C. GRCh37 (hg19) VCF-style: chr14-77744759-G-C.
Other names: short protein forms L709V.
Identifiers: ClinVar variation 2095157 (VCV002095157.4), dbSNP rs1306418373, ClinGen allele CA390513359.